The following is an entry in ClinVar:

NM_000426.4(LAMA2):c.2084A>T (p.Asp695Val)

Gene: LAMA2 (laminin subunit alpha 2; plus strand). Cytogenetic location: 6q22.33.
Variant type: single nucleotide variant.
Coding change: c.2084A>T on transcript NM_000426.4 (MANE Select); coding-DNA position 2084, A replaced by T.
Protein change: p.Asp695Val; replaces aspartic acid 695 with valine.
Molecular consequence: missense variant.
Genome position (GRCh38, 1-based): chr6:129,252,283, A>T. VCF-style: chr6-129252283-A-T. GRCh37 (hg19) VCF-style: chr6-129573428-A-T.
Other names: c.2084A>T, p.Asp695Val (NM_001079823.2); short protein forms D695V.
Identifiers: ClinVar variation 452688 (VCV000452688.6), dbSNP rs762272518, ClinGen allele CA3992808.

ClinVar aggregate classification (germline): Uncertain significance. Review status: criteria provided, multiple submitters, no conflicts (2 of 4 stars). 3 submissions from 3 submitters: Uncertain significance (3). Last evaluated 2024-07-30.

Conditions:
LAMA2-related muscular dystrophy (LAMA2-RD). Also called: Laminin alpha 2-related dystrophy. Identifiers: MedGen C5679788, MONDO:0100228.

Allele frequency attached by ClinVar (database versions not stated): ExAC 0.00001; gnomAD 0.00001 and 0.00003; gnomAD exomes 0.00002; TOPMed 0.00002.
gnomAD v4.1: 43 of 1,613,000 alleles (0.0027%); highest among the groups gnomAD compares: South Asian, 0.037%; no homozygotes.

Submissions (3):

Blueprint Genetics
Classification: Uncertain significance. Last evaluated: 2024-07-30. Review status: criteria provided, single submitter. Criteria: ACMG Guidelines, 2015. Collection method: clinical testing. Allele origin: germline.

Labcorp Genetics (formerly Invitae), Labcorp
Classification: Uncertain significance for LAMA2-related muscular dystrophy. Last evaluated: 2022-02-04. Review status: criteria provided, single submitter. Criteria: Invitae Variant Classification Sherloc (09022015). Collection method: clinical testing. Allele origin: germline.
Comment: This sequence change replaces aspartic acid, which is acidic and polar, with valine, which is neutral and non-polar, at codon 695 of the LAMA2 protein (p.Asp695Val). This variant is present in population databases (rs762272518, gnomAD 0.02%). This variant has not been reported in the literature in individuals affected with LAMA2-related conditions. ClinVar contains an entry for this variant (Variation ID: 452688). Advanced modeling of protein sequence and biophysical properties (such as structural, functional, and spatial information, amino acid conservation, physicochemical variation, residue mobility, and thermodynamic stability) performed at Invitae indicates that this missense variant is not expected to disrupt LAMA2 protein function. In summary, the available evidence is currently insufficient to determine the role of this variant in disease. Therefore, it has been classified as a Variant of Uncertain Significance.

GeneDx
Classification: Uncertain significance. Last evaluated: 2017-10-13. Review status: criteria provided, single submitter. Criteria: GeneDx Variant Classification (06012015). Collection method: clinical testing. Allele origin: germline. Affected: yes.
Comment: The D695V variant has not been published as a pathogenic variant, nor has it been reported as a benign variant to our knowledge. The D695V variant is observed in 5/30,782 (0.01%) alleles from individuals of South Asian background (Lek et al., 2016). This variant is a non-conservative amino acid substitution, which is likely to impact secondary protein structure as these residues differ in polarity, charge, size and/or other properties. However, this substitution occurs at a position that is not conserved. In silico analysis is inconsistent in its predictions as to whether or not the variant is damaging to the protein structure/function.